The following is an entry in ClinVar:

ClinVar aggregate classification (germline): Uncertain significance (1 of 4 stars; one submission).

Conditions:
Hereditary sensory neuropathy-deafness-dementia syndrome. Also called: Hereditary sensory neuropathy type IE; NEUROPATHY, HEREDITARY SENSORY, WITH HEARING LOSS AND DEMENTIA; Hereditary Sensory and Autonomic Neuropathy Type 1E (HSAN1E); HSN IE. Identifiers: Orphanet 456318, MedGen C3279885, MONDO:0013584, OMIM 614116.

Submission:

Labcorp Genetics (formerly Invitae), Labcorp
Classification: Uncertain significance for Hereditary sensory neuropathy-deafness-dementia syndrome. Last evaluated: 2022-11-08. Review status: criteria provided, single submitter. Criteria: Invitae Variant Classification Sherloc (09022015). Collection method: clinical testing. Allele origin: germline.
Comment: Advanced modeling of protein sequence and biophysical properties (such as structural, functional, and spatial information, amino acid conservation, physicochemical variation, residue mobility, and thermodynamic stability) performed at Invitae indicates that this missense variant is not expected to disrupt DNMT1 protein function. This variant has not been reported in the literature in individuals affected with DNMT1-related conditions. This variant is not present in population databases (gnomAD no frequency). This sequence change replaces leucine, which is neutral and non-polar, with phenylalanine, which is neutral and non-polar, at codon 1488 of the DNMT1 protein (p.Leu1488Phe). In summary, the available evidence is currently insufficient to determine the role of this variant in disease. Therefore, it has been classified as a Variant of Uncertain Significance.

NM_001130823.3(DNMT1):c.4462C>T (p.Leu1488Phe)

Gene: DNMT1 (DNA methyltransferase 1; minus strand). Cytogenetic location: 19p13.2.
Variant type: single nucleotide variant.
Coding change: c.4462C>T on transcript NM_001130823.3 (MANE Select); coding-DNA position 4462, C replaced by T.
Protein change: p.Leu1488Phe; replaces leucine 1488 with phenylalanine.
Molecular consequence: missense variant.
Genome position (GRCh38, 1-based): chr19:10,137,112, G>A on the plus strand (C>T on the coding strand, the complement: DNMT1 is on the minus strand). VCF-style: chr19-10137112-G-A. GRCh37 (hg19) VCF-style: chr19-10247788-G-A.
Other names: c.4414C>T, p.Leu1472Phe (NM_001318730.2, NM_001379.4); c.4099C>T, p.Leu1367Phe (NM_001318731.2); short protein forms L1472F, L1367F, L1488F.
Identifiers: ClinVar variation 2811457 (VCV002811457.3), dbSNP rs866729887, ClinGen allele CA305218871.